The following is an entry in ClinVar:

ClinVar aggregate classification (germline): Uncertain significance. Review status: criteria provided, multiple submitters, no conflicts (2 of 4 stars). 4 submissions from 4 submitters: Uncertain significance (4). Last evaluated 2025-03-17.

Conditions:
Hemolytic anemia due to pyrimidine 5' nucleotidase deficiency (CNSHA8). Also called: HEMOLYTIC ANEMIA DUE TO P5N DEFICIENCY; HEMOLYTIC ANEMIA DUE TO UMPH1 DEFICIENCY; P5N DEFICIENCY; PYRIMIDINE 5-PRIME NUCLEOTIDASE DEFICIENCY, HEMOLYTIC ANEMIA DUE TO; UMPH1 DEFICIENCY. Identifiers: Orphanet 35120, MedGen C1849507, MONDO:0009946, OMIM 266120.

Allele frequency attached by ClinVar (database versions not stated): ExAC 0.00005; gnomAD exomes 0.00005 and 0.00006; ESP Exome Variant Server 0.00008; gnomAD 0.00011; TOPMed 0.00015.
gnomAD v4.1: 113 of 1,612,334 alleles (0.007%); highest among the groups gnomAD compares: African/African-American, 0.02%; no homozygotes.

Submissions (4):

Labcorp Genetics (formerly Invitae), Labcorp
Classification: Uncertain significance. Last evaluated: 2025-03-17. Review status: criteria provided, single submitter. Criteria: Invitae Variant Classification Sherloc (09022015). Collection method: clinical testing. Allele origin: germline.
Comment: This sequence change replaces threonine, which is neutral and polar, with alanine, which is neutral and non-polar, at codon 102 of the NT5C3A protein (p.Thr102Ala). This variant is present in population databases (rs141651499, gnomAD 0.03%). This variant has not been reported in the literature in individuals affected with NT5C3A-related conditions. ClinVar contains an entry for this variant (Variation ID: 811355). Invitae Evidence Modeling of protein sequence and biophysical properties (such as structural, functional, and spatial information, amino acid conservation, physicochemical variation, residue mobility, and thermodynamic stability) indicates that this missense variant is not expected to disrupt NT5C3A protein function with a negative predictive value of 80%. In summary, the available evidence is currently insufficient to determine the role of this variant in disease. Therefore, it has been classified as a Variant of Uncertain Significance.

Ambry Genetics
Classification: Uncertain significance. Last evaluated: 2022-11-10. Review status: criteria provided, single submitter. Criteria: Ambry Variant Classification Scheme 2023. Collection method: clinical testing. Allele origin: germline.

Revvity Omics, Revvity
Classification: Uncertain significance for Hemolytic anemia due to pyrimidine 5' nucleotidase deficiency. Last evaluated: 2021-02-11. Review status: criteria provided, single submitter. Criteria: ACMG Guidelines, 2015. Collection method: clinical testing. Allele origin: germline.

ARUP Laboratories, Molecular Genetics and Genomics, ARUP Laboratories
Classification: Uncertain significance for Hemolytic anemia due to pyrimidine 5' nucleotidase deficiency. Last evaluated: 2019-03-24. Review status: criteria provided, single submitter. Criteria: ARUP Molecular Germline Variant Investigation Process. Collection method: clinical testing. Allele origin: germline.

NM_001002010.5(NT5C3A):c.406A>G (p.Thr136Ala)

Gene: NT5C3A (5'-nucleotidase, cytosolic IIIA; minus strand). Cytogenetic location: 7p14.3.
Variant type: single nucleotide variant.
Coding change: c.406A>G on transcript NM_001002010.5 (MANE Select); coding-DNA position 406, A replaced by G.
Protein change: p.Thr136Ala; replaces threonine 136 with alanine.
Molecular consequence: missense variant.
Genome position (GRCh38, 1-based): chr7:33,021,306, T>C on the plus strand (A>G on the coding strand, the complement: NT5C3A is on the minus strand). VCF-style: chr7-33021306-T-C. GRCh37 (hg19) VCF-style: chr7-33060918-T-C.
Other names: c.304A>G, p.Thr102Ala (NM_001002009.3, NM_016489.14); c.268A>G, p.Thr90Ala (NM_001166118.3, NM_001356996.3, NM_001374336.1 and 1 more transcripts); c.307A>G, p.Thr103Ala (NM_001374335.1); c.406A>G, p.Thr136Ala (NM_001374338.1); c.205A>G, p.Thr69Ala (NM_001374339.1); c.304A>G (NM_016489.11, NM_016489.12); short protein forms T102A, T103A, T136A, T69A, T90A.
Identifiers: ClinVar variation 811355 (VCV000811355.14), dbSNP rs141651499, ClinGen allele CA4213441.